The following is an entry in ClinVar:

NM_012431.3(SEMA3E):c.1320A>G (p.Arg440=)

Gene: SEMA3E (semaphorin 3E; minus strand). Cytogenetic location: 7q21.11.
Variant type: single nucleotide variant.
Coding change: c.1320A>G on transcript NM_012431.3 (MANE Select); coding-DNA position 1320, A replaced by G.
Protein change: p.Arg440=; no amino-acid change (arginine 440 retained).
Molecular consequence: synonymous variant.
Genome position (GRCh38, 1-based): chr7:83,400,074, T>C on the plus strand (A>G on the coding strand, the complement: SEMA3E is on the minus strand). VCF-style: chr7-83400074-T-C. GRCh37 (hg19) VCF-style: chr7-83029390-T-C.
Other names: c.1140A>G, p.Arg380= (NM_001178129.2); c.1320A>G (NM_012431.2).
Identifiers: ClinVar variation 1100988 (VCV001100988.11), dbSNP rs750937375, ClinGen allele CA4322066.

ClinVar aggregate classification (germline): Likely benign. Review status: criteria provided, multiple submitters, no conflicts (2 of 4 stars). 2 submissions from 2 submitters: Likely benign (2). Last evaluated 2025-02-24.

Conditions:
CHARGE syndrome (CHARGE). Also called: Hittner Hirsch Kreh syndrome; CHARGE ASSOCIATION--COLOBOMA, HEART ANOMALY, CHOANAL ATRESIA, RETARDATION, GENITAL AND EAR ANOMALIES; Coloboma, heart anomaly, choanal atresia, retardation, genital and ear anomalies; CHARGE association; Hall-Hittner syndrome. Identifiers: Orphanet 138, MedGen C0265354, MONDO:0008965.
SEMA3E-related disorder. Also called: SEMA3E-related condition.

Allele frequency attached by ClinVar (database versions not stated): ExAC 0.00001; gnomAD exomes 0.00001 and 0.00002.
gnomAD v4.1: 4 of 1,614,082 alleles (0.00025%); highest among the groups gnomAD compares: Admixed American, 0.0067%; no homozygotes.

Submissions (2):

PreventionGenetics, part of Exact Sciences
Classification: Likely benign for SEMA3E-related condition. Last evaluated: 2025-02-24. Review status: criteria provided, single submitter. Criteria: ACMG Guidelines, 2015. Collection method: clinical testing. Allele origin: germline.
Comment: This variant is classified as likely benign based on ACMG/AMP sequence variant interpretation guidelines (Richards et al. 2015 PMID: 25741868, with internal and published modifications).

Labcorp Genetics (formerly Invitae), Labcorp
Classification: Likely benign for CHARGE syndrome. Last evaluated: 2022-07-28. Review status: criteria provided, single submitter. Criteria: Invitae Variant Classification Sherloc (09022015). Collection method: clinical testing. Allele origin: germline.